The following is an entry in ClinVar:

NM_001370658.1(BTD):c.60G>T (p.Leu20=)

Gene: BTD (biotinidase; plus strand). Cytogenetic location: 3p25.1.
Variant type: single nucleotide variant.
Coding change: c.60G>T on transcript NM_001370658.1 (MANE Select); coding-DNA position 60, G replaced by T.
Protein change: p.Leu20=; no amino-acid change (leucine 20 retained).
Molecular consequence: synonymous variant.
Genome position (GRCh38, 1-based): chr3:15,635,499, G>T. VCF-style: chr3-15635499-G-T. GRCh37 (hg19) VCF-style: chr3-15677006-G-T.
Other names: c.60G>T, p.Leu20= (NM_001281723.4, NM_001281724.3, NM_001281725.3 and 37 more transcripts).
Identifiers: ClinVar variation 4985591 (VCV004985591.1).

ClinVar aggregate classification (germline): Likely benign (1 of 4 stars; one submission).

Conditions:
BTD-related disorder. Also called: BTD-related condition.

Submission:

PreventionGenetics, part of Exact Sciences
Classification: Likely benign for BTD-related condition. Last evaluated: 2026-01-15. Review status: criteria provided, single submitter. Criteria: ACMG Guidelines, 2015. Collection method: clinical testing. Allele origin: germline.
Comment: This variant is classified as likely benign based on ACMG/AMP sequence variant interpretation guidelines (Richards et al. 2015 PMID: 25741868, with internal and published modifications).